The following is an entry in ClinVar:

ClinVar aggregate classification (germline): Uncertain significance. Review status: criteria provided, multiple submitters, no conflicts (2 of 4 stars). 2 submissions from 2 submitters: Uncertain significance (2). Last evaluated 2025-06-18.

Allele frequency attached by ClinVar (database versions not stated): gnomAD exomes 0.00001; TOPMed 0.00005; gnomAD 0.00009; ExAC 0.00012.
gnomAD v4.1: 20 of 1,520,010 alleles (0.0013%); highest among the groups gnomAD compares: African/African-American, 0.02%; no homozygotes.

Submissions (2):

Ambry Genetics
Classification: Uncertain significance. Last evaluated: 2025-06-18. Review status: criteria provided, single submitter. Criteria: Ambry Variant Classification Scheme 2023. Collection method: clinical testing. Allele origin: germline.

Labcorp Genetics (formerly Invitae), Labcorp
Classification: Uncertain significance. Last evaluated: 2023-03-21. Review status: criteria provided, single submitter. Criteria: Invitae Variant Classification Sherloc (09022015). Collection method: clinical testing. Allele origin: germline.
Comment: This sequence change replaces leucine, which is neutral and non-polar, with phenylalanine, which is neutral and non-polar, at codon 41 of the CCDC141 protein (p.Leu41Phe). In summary, the available evidence is currently insufficient to determine the role of this variant in disease. Therefore, it has been classified as a Variant of Uncertain Significance. Algorithms developed to predict the effect of missense changes on protein structure and function output the following: SIFT: "Not Available"; PolyPhen-2: "Benign"; Align-GVGD: "Not Available". The phenylalanine amino acid residue is found in multiple mammalian species, which suggests that this missense change does not adversely affect protein function. This variant has not been reported in the literature in individuals affected with CCDC141-related conditions. This variant is present in population databases (rs767727350, gnomAD 0.02%).

NM_173648.4(CCDC141):c.121C>T (p.Leu41Phe)

Gene: CCDC141 (coiled-coil domain containing 141; minus strand). Cytogenetic location: 2q31.2.
Variant type: single nucleotide variant.
Coding change: c.121C>T on transcript NM_173648.4 (MANE Select); coding-DNA position 121, C replaced by T.
Protein change: p.Leu41Phe; replaces leucine 41 with phenylalanine.
Molecular consequence: missense variant.
Genome position (GRCh38, 1-based): chr2:179,047,388, G>A on the plus strand (C>T on the coding strand, the complement: CCDC141 is on the minus strand). VCF-style: chr2-179047388-G-A. GRCh37 (hg19) VCF-style: chr2-179912115-G-A.
Other names: c.121C>T (NM_173648.3); c.121C>T, p.Leu41Phe (NM_001316745.2); short protein forms L41F.
Identifiers: ClinVar variation 2698278 (VCV002698278.4), dbSNP rs767727350, ClinGen allele CA2007352.